The following is an entry in ClinVar:

NM_000530.8(MPZ):c.182A>T (p.Asp61Val)

Gene: MPZ (myelin protein zero; minus strand). Cytogenetic location: 1q23.3.
Variant type: single nucleotide variant.
Coding change: c.182A>T on transcript NM_000530.8 (MANE Select); coding-DNA position 182, A replaced by T.
Protein change: p.Asp61Val; replaces aspartic acid 61 with valine.
Molecular consequence: missense variant.
Genome position (GRCh38, 1-based): chr1:161,307,310, T>A on the plus strand (A>T on the coding strand, the complement: MPZ is on the minus strand). VCF-style: chr1-161307310-T-A. GRCh37 (hg19) VCF-style: chr1-161277100-T-A.
Other names: c.182A>T, p.Asp61Val (NM_001315491.2); short protein forms D61V.
Identifiers: ClinVar variation 2746494 (VCV002746494.3), dbSNP rs786204119, ClinGen allele CA343350756.

ClinVar aggregate classification (germline): Uncertain significance (1 of 4 stars; one submission).

Conditions:
Charcot-Marie-Tooth disease, type I (CMT1). Also called: Charcot-Marie-Tooth, Type 1; Charcot-Marie-Tooth disease type 1. Identifiers: Orphanet 65753, MedGen C0751036, MONDO:0019011.

Submission:

Labcorp Genetics (formerly Invitae), Labcorp
Classification: Uncertain significance for Charcot-Marie-Tooth disease, type I. Last evaluated: 2023-07-25. Review status: criteria provided, single submitter. Criteria: Invitae Variant Classification Sherloc (09022015). Collection method: clinical testing. Allele origin: germline.
Comment: This variant is not present in population databases (gnomAD no frequency). This variant has not been reported in the literature in individuals affected with MPZ-related conditions. Advanced modeling of protein sequence and biophysical properties (such as structural, functional, and spatial information, amino acid conservation, physicochemical variation, residue mobility, and thermodynamic stability) performed at Invitae indicates that this missense variant is not expected to disrupt MPZ protein function. This variant disrupts the p.Asp61 amino acid residue in MPZ. Other variant(s) that disrupt this residue have been determined to be pathogenic (PMID: 10764043). This suggests that this residue is clinically significant, and that variants that disrupt this residue are likely to be disease-causing. In summary, the available evidence is currently insufficient to determine the role of this variant in disease. Therefore, it has been classified as a Variant of Uncertain Significance. This sequence change replaces aspartic acid, which is acidic and polar, with valine, which is neutral and non-polar, at codon 61 of the MPZ protein (p.Asp61Val).

Literature cited by the submitters: PubMed 10764043.